The following is an entry in ClinVar:

NM_004447.6(EPS8):c.1938T>G (p.Pro646=)

Gene: EPS8 (EGFR pathway substrate 8, signaling adaptor; minus strand). Cytogenetic location: 12p12.3.
Variant type: single nucleotide variant.
Coding change: c.1938T>G on transcript NM_004447.6 (MANE Select); coding-DNA position 1938, T replaced by G.
Protein change: p.Pro646=; no amino-acid change (proline 646 retained).
Molecular consequence: synonymous variant. On other transcripts: non-coding transcript variant (3).
Genome position (GRCh38, 1-based): chr12:15,631,548, A>C on the plus strand (T>G on the coding strand, the complement: EPS8 is on the minus strand). VCF-style: chr12-15631548-A-C. GRCh37 (hg19) VCF-style: chr12-15784482-A-C.
Other names: c.1974T>G, p.Pro658= (NM_001413831.1); c.1938T>G, p.Pro646= (NM_001413832.1, NM_001413833.1, NM_001413834.1); c.1698T>G, p.Pro566= (NM_001413835.1, NM_001413836.1); c.1521T>G, p.Pro507= (NM_001413837.1); c.1158T>G, p.Pro386= (NM_001413838.1).
Identifiers: ClinVar variation 2505021 (VCV002505021.1), dbSNP rs748043411, ClinGen allele CA6467402.

ClinVar aggregate classification (germline): Uncertain significance (1 of 4 stars; one submission).

Allele frequency attached by ClinVar (database versions not stated): gnomAD exomes below 0.00001; ExAC 0.00002.
gnomAD v4.1: 2 of 1,614,034 alleles (0.00012%); highest among the groups gnomAD compares: South Asian, 0.0022%; no homozygotes.

Submission:

GeneDx
Classification: Uncertain significance. Last evaluated: 2022-12-07. Review status: criteria provided, single submitter. Criteria: GeneDx Variant Classification Process June 2021. Collection method: clinical testing. Allele origin: germline. Affected: yes.
Comment: In silico analysis supports that this variant does not alter splicing; Has not been previously published as pathogenic or benign to our knowledge